The following is an entry in ClinVar:

ClinVar aggregate classification (germline): Uncertain significance (1 of 4 stars; one submission).

Submission:

Labcorp Genetics (formerly Invitae), Labcorp
Classification: Uncertain significance. Last evaluated: 2023-01-24. Review status: criteria provided, single submitter. Criteria: Invitae Variant Classification Sherloc (09022015). Collection method: clinical testing. Allele origin: germline.
Comment: This variant has not been reported in the literature in individuals affected with CACNA1D-related conditions. Advanced modeling of protein sequence and biophysical properties (such as structural, functional, and spatial information, amino acid conservation, physicochemical variation, residue mobility, and thermodynamic stability) has been performed at Invitae for this missense variant, however the output from this modeling did not meet the statistical confidence thresholds required to predict the impact of this variant on CACNA1D protein function. In summary, the available evidence is currently insufficient to determine the role of this variant in disease. Therefore, it has been classified as a Variant of Uncertain Significance. This variant is not present in population databases (gnomAD no frequency). This sequence change replaces alanine, which is neutral and non-polar, with threonine, which is neutral and polar, at codon 1018 of the CACNA1D protein (p.Ala1018Thr).

NM_001128840.3(CACNA1D):c.2992G>A (p.Ala998Thr)

Gene: CACNA1D (calcium voltage-gated channel subunit alpha1 D; plus strand). Cytogenetic location: 3p21.1.
Variant type: single nucleotide variant.
Coding change: c.2992G>A on transcript NM_001128840.3 (MANE Select); coding-DNA position 2992, G replaced by A.
Protein change: p.Ala998Thr; replaces alanine 998 with threonine.
Molecular consequence: missense variant.
Genome position (GRCh38, 1-based): chr3:53,744,813, G>A. VCF-style: chr3-53744813-G-A. GRCh37 (hg19) VCF-style: chr3-53778840-G-A.
Other names: c.3052G>A, p.Ala1018Thr (NM_000720.4); c.2992G>A, p.Ala998Thr (NM_001128839.3); short protein forms A1018T, A998T.
Identifiers: ClinVar variation 2818713 (VCV002818713.3), dbSNP rs2473927264, ClinGen allele CA353246253.